The following is an entry in ClinVar:

ClinVar aggregate classification (germline): Likely pathogenic (1 of 4 stars; one submission).

Allele frequency attached by ClinVar (database versions not stated): gnomAD 0.00001.

Submission:

Labcorp Genetics (formerly Invitae), Labcorp
Classification: Likely pathogenic. Last evaluated: 2022-11-29. Review status: criteria provided, single submitter. Criteria: Invitae Variant Classification Sherloc (09022015). Collection method: clinical testing. Allele origin: germline.
Comment: In summary, the currently available evidence indicates that the variant is pathogenic, but additional data are needed to prove that conclusively. Therefore, this variant has been classified as Likely Pathogenic. This variant disrupts the p.Asn14 amino acid residue in GJB2. Other variant(s) that disrupt this residue have been determined to be pathogenic (PMID: 17041897). This suggests that this residue is clinically significant, and that variants that disrupt this residue are likely to be disease-causing. Advanced modeling of protein sequence and biophysical properties (such as structural, functional, and spatial information, amino acid conservation, physicochemical variation, residue mobility, and thermodynamic stability) performed at Invitae indicates that this missense variant is expected to disrupt GJB2 protein function. This variant has not been reported in the literature in individuals affected with GJB2-related conditions. This variant is not present in population databases (gnomAD no frequency). This sequence change replaces asparagine, which is neutral and polar, with serine, which is neutral and polar, at codon 14 of the GJB2 protein (p.Asn14Ser).

Literature cited by the submitters: PubMed 17041897.

NM_004004.6(GJB2):c.41A>G (p.Asn14Ser)

Gene: GJB2 (gap junction protein beta 2; minus strand). Cytogenetic location: 13q12.11.
Variant type: single nucleotide variant.
Coding change: c.41A>G on transcript NM_004004.6 (MANE Select); coding-DNA position 41, A replaced by G.
Protein change: p.Asn14Ser; replaces asparagine 14 with serine.
Molecular consequence: missense variant.
Genome position (GRCh38, 1-based): chr13:20,189,541, T>C on the plus strand (A>G on the coding strand, the complement: GJB2 is on the minus strand). VCF-style: chr13-20189541-T-C. GRCh37 (hg19) VCF-style: chr13-20763680-T-C.
Other names: short protein forms N14S.
Identifiers: ClinVar variation 2148885 (VCV002148885.4), dbSNP rs2137308851, ClinGen allele CA387462199.
Genomic context (GRCh38, chr13:20,189,541, plus strand): 5'-ATAATGCGAAAAATGAAGAGGACGGTGAGCCAGATCTTTCCAATGCTGGTGGAGTGTTTG[T>C]TCACACCCCCCAGGATCGTCTGCAGCGTGCCCCAATCCATCTTCTACTCTGGGCGGTTTG-3'
Protein context (NP_003995.2, residues 4-24): GTLQTILGGV[Asn14Ser]KHSTSIGKIW